The following is an entry in ClinVar:

NM_198253.3(TERT):c.2382+1G>T

Gene: TERT (telomerase reverse transcriptase; minus strand). Cytogenetic location: 5p15.33.
Variant type: single nucleotide variant.
Coding change: c.2382+1G>T on transcript NM_198253.3 (MANE Select); the canonical splice donor site of the intron after coding-DNA position 2382, G replaced by T.
Molecular consequence: splice donor variant.
Genome position (GRCh38, 1-based): chr5:1,272,184, C>A on the plus strand (G>T on the coding strand, the complement: TERT is on the minus strand). VCF-style: chr5-1272184-C-A. GRCh37 (hg19) VCF-style: chr5-1272299-C-A.
Other names: c.2382+1G>T (NM_001193376.3).
Identifiers: ClinVar variation 2010747 (VCV002010747.4), dbSNP rs1749089374, ClinGen allele CA359076171.

ClinVar aggregate classification (germline): Likely pathogenic (1 of 4 stars; one submission).

Conditions:
Dyskeratosis congenita, autosomal dominant 2. Identifiers: MedGen C3151443, MONDO:0013521, OMIM 613989.
Idiopathic Pulmonary Fibrosis. Also called: Idiopathic fibrosing alveolitis, chronic form; idiopathic fibrosing alveolitis. Identifiers: Orphanet 2032, MedGen C1800706, MeSH D054990, MONDO:0800504.

Submission:

Labcorp Genetics (formerly Invitae), Labcorp
Classification: Likely pathogenic for Dyskeratosis congenita, autosomal dominant 2; Idiopathic Pulmonary Fibrosis. Last evaluated: 2022-06-26. Review status: criteria provided, single submitter. Criteria: Invitae Variant Classification Sherloc (09022015). Collection method: clinical testing. Allele origin: germline.
Comment: This sequence change affects a donor splice site in intron 7 of the TERT gene. It is expected to disrupt RNA splicing. Variants that disrupt the donor or acceptor splice site typically lead to a loss of protein function (PMID: 16199547), and loss-of-function variants in TERT are known to be pathogenic (PMID: 16247010, 17460043). This variant is not present in population databases (gnomAD no frequency). This variant has not been reported in the literature in individuals affected with TERT-related conditions. Algorithms developed to predict the effect of sequence changes on RNA splicing suggest that this variant may disrupt the consensus splice site. In summary, the currently available evidence indicates that the variant is pathogenic, but additional data are needed to prove that conclusively. Therefore, this variant has been classified as Likely Pathogenic.

Literature cited by the submitters: PubMed 16199547; PubMed 16247010; PubMed 17460043.